The following is an entry in ClinVar:

ClinVar aggregate classification (germline): Uncertain significance (1 of 4 stars; one submission).

Allele frequency attached by ClinVar (database versions not stated): gnomAD exomes 0.00001; TOPMed 0.00002.
gnomAD v4.1: 5 of 1,539,246 alleles (0.00032%); highest among the groups gnomAD compares: Admixed American, 0.0079%; no homozygotes.

Submission:

Labcorp Genetics (formerly Invitae), Labcorp
Classification: Uncertain significance. Last evaluated: 2022-06-19. Review status: criteria provided, single submitter. Criteria: Invitae Variant Classification Sherloc (09022015). Collection method: clinical testing. Allele origin: germline.
Comment: This sequence change replaces arginine, which is basic and polar, with proline, which is neutral and non-polar, at codon 55 of the C1QBP protein (p.Arg55Pro). This variant is present in population databases (no rsID available, gnomAD 0.02%). This variant has not been reported in the literature in individuals affected with C1QBP-related conditions. Algorithms developed to predict the effect of missense changes on protein structure and function are either unavailable or do not agree on the potential impact of this missense change (SIFT: "Deleterious"; PolyPhen-2: "Benign"; Align-GVGD: "Class C0"). In summary, the available evidence is currently insufficient to determine the role of this variant in disease. Therefore, it has been classified as a Variant of Uncertain Significance.

NM_001212.4(C1QBP):c.164G>C (p.Arg55Pro)

Gene: C1QBP (complement C1q binding protein; minus strand). Cytogenetic location: 17p13.2.
Variant type: single nucleotide variant.
Coding change: c.164G>C on transcript NM_001212.4 (MANE Select); coding-DNA position 164, G replaced by C.
Protein change: p.Arg55Pro; replaces arginine 55 with proline.
Molecular consequence: missense variant.
Genome position (GRCh38, 1-based): chr17:5,438,910, C>G on the plus strand (G>C on the coding strand, the complement: C1QBP is on the minus strand). VCF-style: chr17-5438910-C-G. GRCh37 (hg19) VCF-style: chr17-5342230-C-G.
Other names: short protein forms R55P.
Identifiers: ClinVar variation 1978859 (VCV001978859.1), dbSNP rs933549360, ClinGen allele CA287261513.